The following is an entry in ClinVar:

NM_001111.5(ADAR):c.1780G>A (p.Glu594Lys)

Gene: ADAR (adenosine deaminase RNA specific; minus strand). Cytogenetic location: 1q21.3.
Variant type: single nucleotide variant.
Coding change: c.1780G>A on transcript NM_001111.5 (MANE Select); coding-DNA position 1780, G replaced by A.
Protein change: p.Glu594Lys; replaces glutamic acid 594 with lysine.
Molecular consequence: missense variant.
Genome position (GRCh38, 1-based): chr1:154,598,407, C>T on the plus strand (G>A on the coding strand, the complement: ADAR is on the minus strand). VCF-style: chr1-154598407-C-T. GRCh37 (hg19) VCF-style: chr1-154570883-C-T.
Other names: c.895G>A, p.Glu299Lys (NM_001025107.3, NM_001193495.2, NM_001365046.1 and 3 more transcripts); c.1807G>A, p.Glu603Lys (NM_001365045.1); c.1780G>A, p.Glu594Lys (NM_015840.4, NM_015841.4, LRG_1212t1); short protein forms E594K, E299K, E603K.
Identifiers: ClinVar variation 565540 (VCV000565540.39), dbSNP rs1203572202, ClinGen allele CA342639148.

ClinVar aggregate classification (germline): Uncertain significance. Review status: criteria provided, multiple submitters, no conflicts (2 of 4 stars). 3 submissions from 3 submitters: Uncertain significance (3). Last evaluated 2023-12-14.

Conditions:
Aicardi-Goutieres syndrome 6 (AGS6). Identifiers: Orphanet 51, MedGen C3539013, MONDO:0014007, OMIM 615010.
Symmetrical dyschromatosis of extremities (DSH). Also called: DYSCHROMATOSIS SYMMETRICA HEREDITARIA 1; RETICULATE ACROPIGMENTATION OF DOHI; SYMMETRIC DYSCHROMATOSIS OF THE EXTREMITIES; Dyschromatosis symmetrica hereditaria. Identifiers: Orphanet 41, MedGen C0406775, MONDO:0007483, OMIM 127400.

Allele frequency attached by ClinVar (database versions not stated): gnomAD exomes below 0.00001 and 0.00001.
gnomAD v4.1: 21 of 1,614,182 alleles (0.0013%); highest among the groups gnomAD compares: Non-Finnish European, 0.0014%; no homozygotes.

Submissions (3):

Labcorp Genetics (formerly Invitae), Labcorp
Classification: Uncertain significance for Aicardi-Goutieres syndrome 6; Symmetrical dyschromatosis of extremities. Last evaluated: 2023-12-14. Review status: criteria provided, single submitter. Criteria: Invitae Variant Classification Sherloc (09022015). Collection method: clinical testing. Allele origin: germline.
Comment: This sequence change replaces glutamic acid, which is acidic and polar, with lysine, which is basic and polar, at codon 594 of the ADAR protein (p.Glu594Lys). This variant is present in population databases (no rsID available, gnomAD 0.0009%). This variant has not been reported in the literature in individuals affected with ADAR-related conditions. ClinVar contains an entry for this variant (Variation ID: 565540). Advanced modeling of protein sequence and biophysical properties (such as structural, functional, and spatial information, amino acid conservation, physicochemical variation, residue mobility, and thermodynamic stability) performed at Invitae indicates that this missense variant is not expected to disrupt ADAR protein function with a negative predictive value of 80%. In summary, the available evidence is currently insufficient to determine the role of this variant in disease. Therefore, it has been classified as a Variant of Uncertain Significance.

Genome-Nilou Lab
Classification: Uncertain significance for Aicardi-Goutieres syndrome 6. Last evaluated: 2023-04-11. Review status: criteria provided, single submitter. Criteria: ACMG Guidelines, 2015. Collection method: clinical testing. Allele origin: germline. Affected: no.

CeGaT Center for Human Genetics Tuebingen
Classification: Uncertain significance. Last evaluated: 2022-07-01. Review status: criteria provided, single submitter. Criteria: CeGaT Center For Human Genetics Tuebingen Variant Classification Criteria Version 2. Collection method: clinical testing. Allele origin: germline. Affected: yes. Observed: 1 variant allele.
Comment: ADAR: PM2, BP4